The following is an entry in ClinVar:

ClinVar aggregate classification (germline): Likely benign (1 of 4 stars; one submission).

Allele frequency attached by ClinVar (database versions not stated): gnomAD exomes below 0.00001 and 0.00001; gnomAD 0.00001; TOPMed 0.00001.

Submission:

GeneDx
Classification: Likely benign. Last evaluated: 2018-04-05. Review status: criteria provided, single submitter. Criteria: GeneDx Variant Classification (06012015). Collection method: clinical testing. Allele origin: germline. Affected: yes.
Comment: This variant is considered likely benign or benign based on one or more of the following criteria: it is a conservative change, it occurs at a poorly conserved position in the protein, it is predicted to be benign by multiple in silico algorithms, and/or has population frequency not consistent with disease.

NM_005002.5(NDUFA9):c.27T>C (p.Val9=)

Gene: NDUFA9 (NADH:ubiquinone oxidoreductase subunit A9; plus strand). Cytogenetic location: 12p13.32.
Variant type: single nucleotide variant.
Coding change: c.27T>C on transcript NM_005002.5 (MANE Select); coding-DNA position 27, T replaced by C.
Protein change: p.Val9=; no amino-acid change (valine 9 retained).
Molecular consequence: synonymous variant.
Genome position (GRCh38, 1-based): chr12:4,649,153, T>C. VCF-style: chr12-4649153-T-C. GRCh37 (hg19) VCF-style: chr12-4758319-T-C.
Identifiers: ClinVar variation 681137 (VCV000681137.1), dbSNP rs1318411878, ClinGen allele CA477966752.
Genomic context (GRCh38, chr12:4,649,153, plus strand): 5'-CCGGGAGTGCTGTCGTGGGGGATTGTGGGAAAAGATGGCGGCTGCCGCACAATCCCGGGT[T>C]GTCCGGGTCCTGTCAATGTCACGTAAGTGTTACCGGGAACGGCGGCCCCTGGTCGGGATT-3'
Protein context (NP_004993.1, residues 1-19): MAAAAQSR[Val9=]VRVLSMSRSA